The following is an entry in ClinVar:

NM_017654.4(SAMD9):c.1583T>C (p.Leu528Pro)

Gene: SAMD9 (sterile alpha motif domain containing 9; minus strand). Cytogenetic location: 7q21.2.
Variant type: single nucleotide variant.
Coding change: c.1583T>C on transcript NM_017654.4 (MANE Select); coding-DNA position 1583, T replaced by C.
Protein change: p.Leu528Pro; replaces leucine 528 with proline.
Molecular consequence: missense variant.
Genome position (GRCh38, 1-based): chr7:93,104,515, A>G on the plus strand (T>C on the coding strand, the complement: SAMD9 is on the minus strand). VCF-style: chr7-93104515-A-G. GRCh37 (hg19) VCF-style: chr7-92733828-A-G.
Other names: c.1583T>C, p.Leu528Pro (NM_001193307.2); short protein forms L528P.
Identifiers: ClinVar variation 2616863 (VCV002616863.6), dbSNP rs755991147, ClinGen allele CA4342959.

ClinVar aggregate classification (germline): Uncertain significance. Review status: criteria provided, multiple submitters, no conflicts (2 of 4 stars). 3 submissions from 3 submitters: Uncertain significance (3). Last evaluated 2025-03-25.

Conditions:
Inborn genetic diseases. Identifiers: MedGen C0950123, MeSH D030342.
SAMD9-related disorder. Also called: SAMD9-related condition.

Allele frequency attached by ClinVar (database versions not stated): TOPMed below 0.00001; ExAC 0.00001; gnomAD 0.00001; gnomAD exomes 0.00001.
gnomAD v4.1: 9 of 1,613,944 alleles (0.00056%); highest among the groups gnomAD compares: Non-Finnish European, 0.00076%; no homozygotes.

Submissions (3):

Ambry Genetics
Classification: Uncertain significance for Inborn genetic diseases. Last evaluated: 2025-03-25. Review status: criteria provided, single submitter. Criteria: Ambry Variant Classification Scheme 2023. Collection method: clinical testing. Allele origin: germline.
Comment: The p.L528P variant (also known as c.1583T>C), located in coding exon 1 of the SAMD9 gene, results from a T to C substitution at nucleotide position 1583. The leucine at codon 528 is replaced by proline, an amino acid with similar properties. This amino acid position is conserved. In addition, the in silico prediction for this alteration is inconclusive. Based on the available evidence, the clinical significance of this variant remains unclear.

Labcorp Genetics (formerly Invitae), Labcorp
Classification: Uncertain significance. Last evaluated: 2023-06-05. Review status: criteria provided, single submitter. Criteria: Invitae Variant Classification Sherloc (09022015). Collection method: clinical testing. Allele origin: germline.
Comment: In summary, the available evidence is currently insufficient to determine the role of this variant in disease. Therefore, it has been classified as a Variant of Uncertain Significance. Advanced modeling of protein sequence and biophysical properties (such as structural, functional, and spatial information, amino acid conservation, physicochemical variation, residue mobility, and thermodynamic stability) has been performed at Invitae for this missense variant, however the output from this modeling did not meet the statistical confidence thresholds required to predict the impact of this variant on SAMD9 protein function. This variant has not been reported in the literature in individuals affected with SAMD9-related conditions. This variant is present in population databases (rs755991147, gnomAD 0.0009%). This sequence change replaces leucine, which is neutral and non-polar, with proline, which is neutral and non-polar, at codon 528 of the SAMD9 protein (p.Leu528Pro).

PreventionGenetics, part of Exact Sciences
Classification: Uncertain significance for SAMD9-related condition. Last evaluated: 2023-03-08. Review status: criteria provided, single submitter. Criteria: ACMG Guidelines, 2015. Collection method: clinical testing. Allele origin: germline.
Comment: The SAMD9 c.1583T>C variant is predicted to result in the amino acid substitution p.Leu528Pro. To our knowledge, this variant has not been reported in the literature. This variant is reported in 0.00088% of alleles in individuals of European (Non-Finnish) descent in gnomAD. At this time, the clinical significance of this variant is uncertain due to the absence of conclusive functional and genetic evidence.